The following is an entry in ClinVar:

ClinVar aggregate classification (germline): Pathogenic (1 of 4 stars; one submission).

Conditions:
Autosomal recessive limb-girdle muscular dystrophy type 2F (LGMDR6). Also called: Muscular dystrophy limb-girdle with delta-sarcoglyan deficiency; MUSCULAR DYSTROPHY, LIMB-GIRDLE, AUTOSOMAL RECESSIVE 6. Identifiers: Orphanet 219, MedGen C1832525, MONDO:0011028, OMIM 601287. Disease mechanism: Affects gamma-sarcoglycan and also disrupts the integrity of the entire sarcoglycan complex..

Submission:

Labcorp Genetics (formerly Invitae), Labcorp
Classification: Pathogenic for Autosomal recessive limb-girdle muscular dystrophy type 2F. Last evaluated: 2023-09-25. Review status: criteria provided, single submitter. Criteria: Invitae Variant Classification Sherloc (09022015). Collection method: clinical testing. Allele origin: germline.
Comment: For these reasons, this variant has been classified as Pathogenic. This variant has not been reported in the literature in individuals affected with SGCD-related conditions. This variant is present in population databases (no rsID available, gnomAD 0.002%). This sequence change creates a premature translational stop signal (p.Arg163Leufs*7) in the SGCD gene. It is expected to result in an absent or disrupted protein product. Loss-of-function variants in SGCD are known to be pathogenic (PMID: 8841194, 10735275, 10838250).

Literature cited by the submitters: PubMed 8841194; PubMed 10735275; PubMed 10838250.

NM_000337.6(SGCD):c.481_485dup (p.Arg163fs)

Gene: SGCD (sarcoglycan delta; plus strand). Cytogenetic location: 5q33.3.
Variant type: Duplication.
Coding change: c.481_485dup on transcript NM_000337.6 (MANE Select); coding-DNA positions 481 to 485, 5 bases duplicated (GCTGA; older notation c.481_485dupGCTGA).
Protein change: p.Arg163fs; shifts the reading frame from arginine 163.
Molecular consequence: frameshift variant.
Genome position (GRCh38, 1-based): chr5:156,595,030-156,595,034, GCTGA duplicated; duplicating any 5 consecutive bases within chr5:156,595,028-156,595,034 gives the same sequence; the c. name uses the placement nearest the transcript's 3' end. VCF-style (leftmost placement, unchanged base first): chr5-156595027-G-GGAGCT. GRCh37 (hg19) VCF-style: chr5-156022037-G-GGAGCT.
Other names: c.478_482dup, p.Arg162fs (NM_001128209.2); c.481_485dup, p.Arg163fs (NM_172244.3); short protein forms R162fs, R163fs.
Identifiers: ClinVar variation 3013440 (VCV003013440.3), dbSNP rs1362615818, ClinGen allele CA563937680.